The following is an entry in ClinVar:

ClinVar aggregate classification (germline): Uncertain significance (1 of 4 stars; one submission).

Submission:

GeneDx
Classification: Uncertain significance. Last evaluated: 2025-08-03. Review status: criteria provided, single submitter. Criteria: GeneDx Variant Classification Process June 2021. Collection method: clinical testing. Allele origin: germline. Affected: yes.
Comment: Not observed at significant frequency in large population cohorts (gnomAD); In silico analysis supports that this missense variant has a deleterious effect on protein structure/function; Has not been previously published as pathogenic or benign to our knowledge

NM_003128.3(SPTBN1):c.1318G>A (p.Glu440Lys)

Gene: SPTBN1 (spectrin beta, non-erythrocytic 1; plus strand). Cytogenetic location: 2p16.2.
Variant type: single nucleotide variant.
Coding change: c.1318G>A on transcript NM_003128.3 (MANE Select); coding-DNA position 1318, G replaced by A.
Protein change: p.Glu440Lys; replaces glutamic acid 440 with lysine.
Molecular consequence: missense variant.
Genome position (GRCh38, 1-based): chr2:54,624,939, G>A. VCF-style: chr2-54624939-G-A. GRCh37 (hg19) VCF-style: chr2-54852076-G-A.
Other names: c.1279G>A, p.Glu427Lys (NM_178313.3); short protein forms E427K, E440K.
Identifiers: ClinVar variation 4755854 (VCV004755854.1).